The following is an entry in ClinVar:

ClinVar aggregate classification (germline): Benign/Likely benign. Review status: criteria provided, multiple submitters, no conflicts (2 of 4 stars). 5 submissions from 5 submitters: Benign (1); Likely benign (4). Last evaluated 2025-05-04.

Conditions:
Hereditary cancer-predisposing syndrome. Also called: Neoplastic Syndromes, Hereditary; Hereditary neoplastic syndrome; Tumor predisposition; Hereditary Cancer Syndrome. Identifiers: Orphanet 140162, MedGen C0027672, MeSH D009386, MONDO:0015356.
Familial cancer of breast. Also called: hereditary breast carcinoma; Hereditary breast cancer; BREAST CANCER, FAMILIAL. Identifiers: Orphanet 227535, MedGen C0346153, MONDO:0016419, OMIM 114480. Disease mechanism: loss of function.
Ataxia-telangiectasia syndrome (AT). Also called: Ataxia telangiectasia (A-T); Cerebello-oculocutaneous telangiectasia; Immunodeficiency with ataxia telangiectasia; LOUIS-BAR SYNDROME; AT, COMPLEMENTATION GROUP C; ATAXIA-TELANGIECTASIA, FRESNO VARIANT. Identifiers: Orphanet 100, MedGen C0004135, MONDO:0008840, OMIM 208900.

Allele frequency attached by ClinVar (database versions not stated): gnomAD exomes below 0.00001; gnomAD 0.00001; TOPMed 0.00001.
gnomAD v4.1: 3 of 1,612,320 alleles (0.00019%); highest among the groups gnomAD compares: African/African-American, 0.004%; no homozygotes.

Submissions (5):

Labcorp Genetics (formerly Invitae), Labcorp
Classification: Likely benign for Ataxia-telangiectasia syndrome. Last evaluated: 2025-05-04. Review status: criteria provided, single submitter. Criteria: Invitae Variant Classification Sherloc (09022015). Collection method: clinical testing. Allele origin: germline.

Myriad Genetics, Inc.
Classification: Benign for Familial cancer of breast. Last evaluated: 2024-06-21. Review status: criteria provided, single submitter. Criteria: Myriad Autosomal Dominant, Autosomal Recessive and X-Linked Classification Criteria (2023). Collection method: clinical testing. Allele origin: unknown.
Comment: This variant is considered benign. This variant is a silent/synonymous amino acid change and it is not expected to impact splicing.

Ambry Genetics
Classification: Likely benign for Hereditary cancer-predisposing syndrome. Last evaluated: 2022-10-04. Review status: criteria provided, single submitter. Criteria: Ambry Variant Classification Scheme 2023. Collection method: clinical testing. Allele origin: germline.

GeneDx
Classification: Likely benign. Last evaluated: 2020-01-18. Review status: criteria provided, single submitter. Criteria: GeneDx Variant Classification Process June 2021. Collection method: clinical testing. Allele origin: germline. Affected: yes.

Color Diagnostics, LLC DBA Color Health
Classification: Likely benign for Hereditary cancer-predisposing syndrome. Last evaluated: 2016-04-22. Review status: criteria provided, single submitter. Criteria: ACMG Guidelines, 2015. Collection method: clinical testing. Allele origin: germline.

NM_000051.4(ATM):c.8844T>C (p.Ile2948=)

Genes: C11orf65 (chromosome 11 open reading frame 65; minus strand), ATM (ATM serine/threonine kinase; plus strand). Cytogenetic location: 11q22.3.
Variant type: single nucleotide variant.
Coding change: c.8844T>C on transcript NM_000051.4 (MANE Select); coding-DNA position 8844, T replaced by C.
Protein change: p.Ile2948=; no amino-acid change (isoleucine 2948 retained).
Molecular consequence: synonymous variant. On other transcripts: intron variant (2).
Genome position (GRCh38, 1-based): chr11:108,354,868, T>C. VCF-style: chr11-108354868-T-C. GRCh37 (hg19) VCF-style: chr11-108225595-T-C.
Other names: c.8844T>C, p.Ile2948= (NM_001351834.2); c.640+31052A>G (NM_001330368.2); c.695-19576A>G (NM_001351110.2).
Identifiers: ClinVar variation 236791 (VCV000236791.19), dbSNP rs878853551, ClinGen allele CA10582863.